The following is an entry in ClinVar:

ClinVar aggregate classification (germline): Pathogenic. Review status: criteria provided, multiple submitters, no conflicts (2 of 4 stars). 5 submissions from 5 submitters: Pathogenic (4). 1 of the submissions does not count toward it. Last evaluated 2025-02-20.

Conditions:
FLVCR1-related disorders.
Posterior column ataxia-retinitis pigmentosa syndrome (RETSNS). Also called: RETINOPATHY-SENSORY NEUROPATHY SYNDROME. Identifiers: Orphanet 88628, MedGen C1836916, MONDO:0012177, OMIM 609033.

Allele frequency attached by ClinVar (database versions not stated): gnomAD exomes below 0.00001; ExAC 0.00001; gnomAD 0.00001 and 0.00003; TOPMed 0.00001; ESP Exome Variant Server 0.00008.
gnomAD v4.1: 3 of 1,614,086 alleles (0.00019%); highest among the groups gnomAD compares: Non-Finnish European, 0.00025%; no homozygotes.

Submissions (5):

Revvity Omics, Revvity
Classification: Pathogenic for Posterior column ataxia-retinitis pigmentosa syndrome. Last evaluated: 2025-02-20. Review status: criteria provided, single submitter. Criteria: ACMG Guidelines, 2015. Collection method: clinical testing. Allele origin: germline.

GeneDx
Classification: Pathogenic. Last evaluated: 2024-01-10. Review status: criteria provided, single submitter. Criteria: GeneDx Variant Classification Process June 2021. Collection method: clinical testing. Allele origin: germline. Affected: yes.
Comment: In silico analysis supports that this missense variant has a deleterious effect on protein structure/function; Published functional studies demonstrate a damaging effect on protein function (PMID: 22483575); Not observed at significant frequency in large population cohorts (gnomAD); This variant is associated with the following publications: (PMID: 22483575, 37808796, 26147798, 9409377, 27096365, 26986070, 26061684, 31345222, 38055060, 22279524, 30444160, 28559085, 31028937, 21070897)

Labcorp Genetics (formerly Invitae), Labcorp
Classification: Pathogenic. Last evaluated: 2021-11-03. Review status: criteria provided, single submitter. Criteria: Invitae Variant Classification Sherloc (09022015). Collection method: clinical testing. Allele origin: germline.
Comment: For these reasons, this variant has been classified as Pathogenic. This sequence change replaces asparagine, which is neutral and polar, with aspartic acid, which is acidic and polar, at codon 121 of the FLVCR1 protein (p.Asn121Asp). This variant is present in population databases (rs267606820, gnomAD 0.0009%). This missense change has been observed in individual(s) with posterior column ataxia retinitis pigmentosa (PMID: 21070897, 28559085, 30444160). It is commonly reported in individuals of American Mennonite ancestry (PMID: 21070897, 30444160). ClinVar contains an entry for this variant (Variation ID: 18418). Algorithms developed to predict the effect of missense changes on protein structure and function are either unavailable or do not agree on the potential impact of this missense change (SIFT: "Deleterious"; PolyPhen-2: "Probably Damaging"; Align-GVGD: "Class C15"). Experimental studies have shown that this missense change affects FLVCR1 function (PMID: 22483575).

Blueprint Genetics
Classification: Pathogenic for FLVCR1-related disorders. Last evaluated: 2019-09-29. Review status: criteria provided, single submitter. Criteria: ACMG Guidelines, 2015. Collection method: clinical testing. Allele origin: germline. Affected: yes. Observed: 2 variant alleles.

OMIM
Classification: Pathogenic for RETINOPATHY-SENSORY NEUROPATHY SYNDROME. Last evaluated: 2012-01-01. Review status: no assertion criteria provided. Collection method: literature only. Allele origin: germline. Not counted in ClinVar's aggregate classification.

Literature cited by the submitters: PubMed 21070897 (cited by Labcorp Genetics (formerly Invitae), Labcorp and OMIM); PubMed 28559085 (cited by Labcorp Genetics (formerly Invitae), Labcorp); PubMed 30444160 (cited by Labcorp Genetics (formerly Invitae), Labcorp); PubMed 22483575 (cited by Labcorp Genetics (formerly Invitae), Labcorp); PubMed 9409377 (cited by OMIM); Puffenberger, E. G. Personal Communication. 2012. Strasburg, Pa. (cited by OMIM); PubMed 22279524 (cited by OMIM).

NM_014053.4(FLVCR1):c.361A>G (p.Asn121Asp)

Gene: FLVCR1 (FLVCR choline and heme transporter 1; plus strand). Cytogenetic location: 1q32.3.
Variant type: single nucleotide variant.
Coding change: c.361A>G on transcript NM_014053.4 (MANE Select); coding-DNA position 361, A replaced by G.
Protein change: p.Asn121Asp; replaces asparagine 121 with aspartic acid.
Molecular consequence: missense variant.
Genome position (GRCh38, 1-based): chr1:212,858,813, A>G. VCF-style: chr1-212858813-A-G. GRCh37 (hg19) VCF-style: chr1-213032155-A-G.
Other names: short protein forms N121D.
Identifiers: ClinVar variation 18418 (VCV000018418.14), dbSNP rs267606820, ClinGen allele CA115240.